The following is an entry in ClinVar:

ClinVar aggregate classification (germline): Uncertain significance (1 of 4 stars; one submission).

Allele frequency attached by ClinVar (database versions not stated): gnomAD 0.00001; TOPMed 0.00001; ExAC 0.00014.

Submission:

Labcorp Genetics (formerly Invitae), Labcorp
Classification: Uncertain significance. Last evaluated: 2025-03-03. Review status: criteria provided, single submitter. Criteria: Invitae Variant Classification Sherloc (09022015). Collection method: clinical testing. Allele origin: germline.
Comment: This sequence change replaces glutamic acid, which is acidic and polar, with glycine, which is neutral and non-polar, at codon 290 of the ANKZF1 protein (p.Glu290Gly). This variant is present in population databases (rs779387069, gnomAD 0.08%), and has an allele count higher than expected for a pathogenic variant. This variant has not been reported in the literature in individuals affected with ANKZF1-related conditions. ClinVar contains an entry for this variant (Variation ID: 2192144). An algorithm developed to predict the effect of missense changes on protein structure and function (PolyPhen-2) suggests that this variant is likely to be tolerated. Algorithms developed to predict the effect of sequence changes on RNA splicing suggest that this variant may disrupt the consensus splice site. In summary, the available evidence is currently insufficient to determine the role of this variant in disease. Therefore, it has been classified as a Variant of Uncertain Significance.

NM_018089.3(ANKZF1):c.869A>G (p.Glu290Gly)

Gene: ANKZF1 (ankyrin repeat and zinc finger peptidyl tRNA hydrolase 1; plus strand). Cytogenetic location: 2q35.
Variant type: single nucleotide variant.
Coding change: c.869A>G on transcript NM_018089.3 (MANE Select); coding-DNA position 869, A replaced by G.
Protein change: p.Glu290Gly; replaces glutamic acid 290 with glycine.
Molecular consequence: missense variant.
Genome position (GRCh38, 1-based): chr2:219,233,764, A>G. VCF-style: chr2-219233764-A-G. GRCh37 (hg19) VCF-style: chr2-220098486-A-G.
Other names: c.869A>G, p.Glu290Gly (NM_001042410.2); c.239A>G, p.Glu80Gly (NM_001282792.2); short protein forms E290G, E80G.
Identifiers: ClinVar variation 2192144 (VCV002192144.4), dbSNP rs779387069, ClinGen allele CA2120897.